The following is an entry in ClinVar:

ClinVar aggregate classification (germline): Uncertain significance (1 of 4 stars; one submission).

Conditions:
Early Myoclonic Encephalopathy. Identifiers: MedGen C0270855.

Allele frequency attached by ClinVar (database versions not stated): gnomAD exomes 0.00004; TOPMed 0.00015.
gnomAD v4.1: 33 of 1,613,838 alleles (0.002%); highest among the groups gnomAD compares: Admixed American, 0.055%; no homozygotes.

Submission:

Labcorp Genetics (formerly Invitae), Labcorp
Classification: Uncertain significance for Early Myoclonic Encephalopathy. Last evaluated: 2021-06-25. Review status: criteria provided, single submitter. Criteria: Invitae Variant Classification Sherloc (09022015). Collection method: clinical testing. Allele origin: germline.
Comment: This variant is not present in population databases (ExAC no frequency). This sequence change replaces serine with phenylalanine at codon 1434 of the JMJD1C protein (p.Ser1434Phe). The serine residue is moderately conserved and there is a large physicochemical difference between serine and phenylalanine. This variant has not been reported in the literature in individuals with JMJD1C-related conditions. In summary, the available evidence is currently insufficient to determine the role of this variant in disease. Therefore, it has been classified as a Variant of Uncertain Significance. Algorithms developed to predict the effect of missense changes on protein structure and function are either unavailable or do not agree on the potential impact of this missense change (SIFT: "Deleterious"; PolyPhen-2: "Possibly Damaging"; Align-GVGD: "Class C15").

NM_032776.3(JMJD1C):c.4301C>T (p.Ser1434Phe)

Gene: JMJD1C (jumonji domain containing 1C; minus strand). Cytogenetic location: 10q21.3.
Variant type: single nucleotide variant.
Coding change: c.4301C>T on transcript NM_032776.3 (MANE Select); coding-DNA position 4301, C replaced by T.
Protein change: p.Ser1434Phe; replaces serine 1434 with phenylalanine.
Molecular consequence: missense variant. On other transcripts: non-coding transcript variant (1).
Genome position (GRCh38, 1-based): chr10:63,207,368, G>A on the plus strand (C>T on the coding strand, the complement: JMJD1C is on the minus strand). VCF-style: chr10-63207368-G-A. GRCh37 (hg19) VCF-style: chr10-64967128-G-A.
Other names: c.3755C>T, p.Ser1252Phe (NM_001282948.2, NM_001318154.2); c.3437C>T, p.Ser1146Phe (NM_001318153.2); c.4187C>T, p.Ser1396Phe (NM_001322252.2); c.3644C>T, p.Ser1215Phe (NM_001322254.2, NM_001322258.2); short protein forms S1146F, S1252F, S1434F, S1215F, S1396F.
Identifiers: ClinVar variation 1358829 (VCV001358829.8), dbSNP rs1225775960, ClinGen allele CA377038074.